The following is an entry in ClinVar:

ClinVar aggregate classification (germline): Likely benign (1 of 4 stars; one submission).

gnomAD v4.1: 32 of 1,613,954 alleles (0.002%); highest among the groups gnomAD compares: Non-Finnish European, 0.0025%; no homozygotes.

Submission:

CeGaT Center for Human Genetics Tuebingen
Classification: Likely benign. Last evaluated: 2025-08-01. Review status: criteria provided, single submitter. Criteria: CeGaT Center For Human Genetics Tuebingen Variant Classification Criteria Version 2. Collection method: clinical testing. Allele origin: germline. Affected: yes. Observed: 1 variant allele.
Comment: TTBK2: BP4, BP7

NM_173500.4(TTBK2):c.1974G>A (p.Ala658=)

Gene: TTBK2 (tau tubulin kinase 2; minus strand). Cytogenetic location: 15q15.2.
Variant type: single nucleotide variant.
Coding change: c.1974G>A on transcript NM_173500.4 (MANE Select); coding-DNA position 1974, G replaced by A.
Protein change: p.Ala658=; no amino-acid change (alanine 658 retained).
Molecular consequence: synonymous variant.
Genome position (GRCh38, 1-based): chr15:42,775,159, C>T on the plus strand (G>A on the coding strand, the complement: TTBK2 is on the minus strand). VCF-style: chr15-42775159-C-T. GRCh37 (hg19) VCF-style: chr15-43067357-C-T.
Identifiers: ClinVar variation 4084900 (VCV004084900.8).